The following is an entry in ClinVar:

NM_001374736.1(DST):c.2630C>T (p.Thr877Ile)

Gene: DST (dystonin; minus strand). Cytogenetic location: 6p12.1.
Variant type: single nucleotide variant.
Coding change: c.2630C>T on transcript NM_001374736.1 (MANE Select); coding-DNA position 2630, C replaced by T.
Protein change: p.Thr877Ile; replaces threonine 877 with isoleucine.
Molecular consequence: missense variant.
Genome position (GRCh38, 1-based): chr6:56,639,763, G>A on the plus strand (C>T on the coding strand, the complement: DST is on the minus strand). VCF-style: chr6-56639763-G-A. GRCh37 (hg19) VCF-style: chr6-56504561-G-A.
Other names: p.Thr340Ile; c.2531C>T, p.Thr844Ile (NM_001144769.5); c.2117C>T, p.Thr706Ile (NM_001144770.2); c.2630C>T, p.Thr877Ile (NM_001374722.1); c.1997C>T, p.Thr666Ile (NM_001374729.1, NM_001374730.1, NM_001386100.1 and 1 more transcripts); c.2657C>T, p.Thr886Ile (NM_001374734.1); c.1019C>T, p.Thr340Ile (NM_001723.7, NM_015548.5); short protein forms T340I, T666I, T844I, T706I, T877I, T886I.
Identifiers: ClinVar variation 474505 (VCV000474505.17), dbSNP rs141523606, ClinGen allele CA3871367.
Genomic context (GRCh38, chr6:56,639,763, plus strand): 5'-TTTGCATACTGACTCTCTAATCTGTGCAACTTTTCTGCATAAGTCAGTTTAAGAGGTGCT[G>A]TCATTTGAATCTATAACATGAGATTAAAAAGACACTCCAGTCAGGAATCTGAAGGAATTC-3'
Protein context (NP_001361665.1, residues 867-887): KEAKISEIQM[Thr877Ile]APLKLTYAEK

ClinVar aggregate classification (germline): Conflicting classifications of pathogenicity. Review status: criteria provided, conflicting classifications (1 of 4 stars). 5 submissions from 5 submitters: Uncertain significance (2); Likely benign (3). Last evaluated 2026-02-03.

Conditions:
DST-related disorder. Also called: DST-related condition; DST-related disorders.
Inborn genetic diseases. Identifiers: MedGen C0950123, MeSH D030342.
Epidermolysis bullosa simplex 3, localized or generalized intermediate, with BP230 deficiency (EBS3). Also called: Epidermolysis bullosa simplex, autosomal recessive 2; Epidermolysis bullosa simplex due to BP230 deficiency. Identifiers: Orphanet 412181, MedGen C3809470, MONDO:0014180, OMIM 615425.
Hereditary sensory and autonomic neuropathy type 6. Also called: HSAN VI; Neuropathy, hereditary sensory and autonomic, type VI. Identifiers: Orphanet 314381, MedGen C3539003, MONDO:0013839, OMIM 614653.

Allele frequency attached by ClinVar (database versions not stated): gnomAD exomes 0.00014 and 0.00048; ESP Exome Variant Server 0.00023; gnomAD 0.00026 and 0.00036; TOPMed 0.00038; ExAC 0.00041; 1000 Genomes Project 30x 0.00141; 1000 Genomes Project 0.00160.
gnomAD v4.1: 282 of 1,613,452 alleles (0.017%); highest among the groups gnomAD compares: East Asian, 0.37%; 1 homozygote.

Submissions (5):

GeneDx
Classification: Uncertain significance. Last evaluated: 2026-02-03. Review status: criteria provided, single submitter. Criteria: GeneDx Variant Classification Process June 2021. Collection method: clinical testing. Allele origin: germline.
Comment: In silico analysis supports that this missense variant has a deleterious effect on protein structure/function; Has not been previously published as pathogenic or benign to our knowledge; Reported using the transcript encoding the epithelial isoform of the gene.

Labcorp Genetics (formerly Invitae), Labcorp
Classification: Likely benign for Epidermolysis bullosa simplex 3, localized or generalized intermediate, with BP230 deficiency; Hereditary sensory and autonomic neuropathy type 6. Last evaluated: 2025-12-16. Review status: criteria provided, single submitter. Criteria: Invitae Variant Classification Sherloc (09022015). Collection method: clinical testing. Allele origin: germline.

Mayo Clinic Laboratories, Mayo Clinic
Classification: Uncertain significance. Last evaluated: 2025-07-30. Review status: criteria provided, single submitter. Criteria: ACMG Guidelines, 2015. Collection method: clinical testing. Allele origin: germline. Observed: 1 variant allele.
Comment: BS1

PreventionGenetics, part of Exact Sciences
Classification: Likely benign for DST-related condition. Last evaluated: 2025-04-28. Review status: criteria provided, single submitter. Criteria: ACMG Guidelines, 2015. Collection method: clinical testing. Allele origin: germline.
Comment: This variant is classified as likely benign based on ACMG/AMP sequence variant interpretation guidelines (Richards et al. 2015 PMID: 25741868, with internal and published modifications).

Ambry Genetics
Classification: Likely benign for Inborn genetic diseases. Last evaluated: 2019-11-06. Review status: criteria provided, single submitter. Criteria: Ambry Variant Classification Scheme 2023. Collection method: clinical testing. Allele origin: germline.